The following is an entry in ClinVar:

NM_018263.6(ASXL2):c.3196A>G (p.Ile1066Val)

Gene: ASXL2 (ASXL transcriptional regulator 2; minus strand). Cytogenetic location: 2p23.3.
Variant type: single nucleotide variant.
Coding change: c.3196A>G on transcript NM_018263.6 (MANE Select); coding-DNA position 3196, A replaced by G.
Protein change: p.Ile1066Val; replaces isoleucine 1066 with valine.
Molecular consequence: missense variant.
Genome position (GRCh38, 1-based): chr2:25,743,141, T>C on the plus strand (A>G on the coding strand, the complement: ASXL2 is on the minus strand). VCF-style: chr2-25743141-T-C. GRCh37 (hg19) VCF-style: chr2-25966010-T-C.
Other names: c.3022A>G, p.Ile1008Val (NM_001369346.1); c.2416A>G, p.Ile806Val (NM_001369347.1); short protein forms I1008V, I1066V, I806V.
Identifiers: ClinVar variation 3907071 (VCV003907071.1).

ClinVar aggregate classification (germline): Uncertain significance (1 of 4 stars; one submission).

Submission:

Women's Health and Genetics/Laboratory Corporation of America, LabCorp
Classification: Uncertain significance. Last evaluated: 2025-06-17. Review status: criteria provided, single submitter. Criteria: LabCorp Variant Classification Summary - May 2015. Collection method: clinical testing. Allele origin: germline.
Comment: Variant summary: ASXL2 c.3196A>G (p.Ile1066Val) results in a conservative amino acid change in the encoded protein sequence. Algorithms developed to predict the effect of missense changes on protein structure and function are either unavailable or do not agree on the potential impact of this missense change. The variant was absent in 249250 control chromosomes. The available data on variant occurrences in the general population are insufficient to allow any conclusion about variant significance. To our knowledge, no occurrence of c.3196A>G in individuals affected with Shashi-Pena Syndrome and no experimental evidence demonstrating its impact on protein function have been reported. No submitters have cited clinical-significance assessments for this variant to ClinVar. Based on the evidence outlined above, the variant was classified as uncertain significance.